The following is an entry in ClinVar:

ClinVar aggregate classification (germline): Benign (0 of 4 stars; one submission).

Conditions:
UACA-related disorder. Also called: UACA-related condition.

Allele frequency attached by ClinVar (database versions not stated): 1000 Genomes Project 30x 0.01624; 1000 Genomes Project 0.01657; TOPMed 0.02445; gnomAD 0.02926; ESP Exome Variant Server 0.02944; ExAC 0.03688; gnomAD exomes 0.03943.
gnomAD v4.1: 58,754 of 1,541,272 alleles (3.8%); highest among the groups gnomAD compares: Non-Finnish European, 4.3%; 1,339 homozygotes.

Submissions (33):

PreventionGenetics, part of Exact Sciences
Classification: Benign for UACA-related condition. Last evaluated: 2019-06-06. Review status: no assertion criteria provided. Collection method: clinical testing. Allele origin: germline.
Comment: This variant is classified as benign based on ACMG/AMP sequence variant interpretation guidelines (Richards et al. 2015 PMID: 25741868, with internal and published modifications).

Dr. Peter K. Rogan Lab, Western University
No classification provided (evidence only). Condition: Clear cell carcinoma of kidney. Review status: no classification provided. Collection method: in vitro. Allele origin: not applicable. Functional consequence: retained intron. Not counted in ClinVar's aggregate classification.

Dr. Peter K. Rogan Lab, Western University
No classification provided (evidence only). Condition: Clear cell carcinoma of kidney. Review status: no classification provided. Collection method: in vitro. Allele origin: not applicable. Functional consequence: retained intron. Not counted in ClinVar's aggregate classification.

Dr. Peter K. Rogan Lab, Western University
No classification provided (evidence only). Condition: Clear cell carcinoma of kidney. Review status: no classification provided. Collection method: in vitro. Allele origin: not applicable. Functional consequence: retained intron. Not counted in ClinVar's aggregate classification.

Dr. Peter K. Rogan Lab, Western University
No classification provided (evidence only). Condition: Clear cell carcinoma of kidney. Review status: no classification provided. Collection method: in vitro. Allele origin: not applicable. Functional consequence: retained intron. Not counted in ClinVar's aggregate classification.

Dr. Peter K. Rogan Lab, Western University
No classification provided (evidence only). Condition: Clear cell carcinoma of kidney. Review status: no classification provided. Collection method: in vitro. Allele origin: not applicable. Functional consequence: retained intron. Not counted in ClinVar's aggregate classification.

Dr. Peter K. Rogan Lab, Western University
No classification provided (evidence only). Condition: Clear cell carcinoma of kidney. Review status: no classification provided. Collection method: in vitro. Allele origin: not applicable. Functional consequence: retained intron. Not counted in ClinVar's aggregate classification.

Dr. Peter K. Rogan Lab, Western University
No classification provided (evidence only). Condition: Acute myeloid leukemia. Review status: no classification provided. Collection method: in vitro. Allele origin: not applicable. Functional consequence: retained intron. Not counted in ClinVar's aggregate classification.

Dr. Peter K. Rogan Lab, Western University
No classification provided (evidence only). Condition: Acute myeloid leukemia. Review status: no classification provided. Collection method: in vitro. Allele origin: not applicable. Functional consequence: retained intron. Not counted in ClinVar's aggregate classification.

Dr. Peter K. Rogan Lab, Western University
No classification provided (evidence only). Condition: Colon adenocarcinoma. Review status: no classification provided. Collection method: in vitro. Allele origin: not applicable. Functional consequence: retained intron. Not counted in ClinVar's aggregate classification.

Dr. Peter K. Rogan Lab, Western University
No classification provided (evidence only). Condition: Colon adenocarcinoma. Review status: no classification provided. Collection method: in vitro. Allele origin: not applicable. Functional consequence: retained intron. Not counted in ClinVar's aggregate classification.

Dr. Peter K. Rogan Lab, Western University
No classification provided (evidence only). Condition: Colorectal cancer. Review status: no classification provided. Collection method: in vitro. Allele origin: not applicable. Functional consequence: retained intron. Not counted in ClinVar's aggregate classification.

Dr. Peter K. Rogan Lab, Western University
No classification provided (evidence only). Condition: Colorectal cancer. Review status: no classification provided. Collection method: in vitro. Allele origin: not applicable. Functional consequence: retained intron. Not counted in ClinVar's aggregate classification.

Dr. Peter K. Rogan Lab, Western University
No classification provided (evidence only). Condition: Uterine corpus endometrial carcinoma. Review status: no classification provided. Collection method: in vitro. Allele origin: not applicable. Functional consequence: retained intron. Not counted in ClinVar's aggregate classification.

Dr. Peter K. Rogan Lab, Western University
No classification provided (evidence only). Condition: Sarcoma. Review status: no classification provided. Collection method: in vitro. Allele origin: not applicable. Functional consequence: retained intron. Not counted in ClinVar's aggregate classification.

Dr. Peter K. Rogan Lab, Western University
No classification provided (evidence only). Condition: Sarcoma. Review status: no classification provided. Collection method: in vitro. Allele origin: not applicable. Functional consequence: retained intron. Not counted in ClinVar's aggregate classification.

Dr. Peter K. Rogan Lab, Western University
No classification provided (evidence only). Condition: Sarcoma. Review status: no classification provided. Collection method: in vitro. Allele origin: not applicable. Functional consequence: retained intron. Not counted in ClinVar's aggregate classification.

Dr. Peter K. Rogan Lab, Western University
No classification provided (evidence only). Condition: Sarcoma. Review status: no classification provided. Collection method: in vitro. Allele origin: not applicable. Functional consequence: retained intron. Not counted in ClinVar's aggregate classification.

Dr. Peter K. Rogan Lab, Western University
No classification provided (evidence only). Condition: Nonpapillary renal cell carcinoma. Review status: no classification provided. Collection method: in vitro. Allele origin: not applicable. Functional consequence: retained intron. Not counted in ClinVar's aggregate classification.

Dr. Peter K. Rogan Lab, Western University
No classification provided (evidence only). Condition: Cholangiocarcinoma. Review status: no classification provided. Collection method: in vitro. Allele origin: not applicable. Functional consequence: retained intron. Not counted in ClinVar's aggregate classification.

Dr. Peter K. Rogan Lab, Western University
No classification provided (evidence only). Condition: Ovarian serous cystadenocarcinoma. Review status: no classification provided. Collection method: in vitro. Allele origin: not applicable. Functional consequence: retained intron. Not counted in ClinVar's aggregate classification.

Dr. Peter K. Rogan Lab, Western University
No classification provided (evidence only). Condition: Ovarian serous cystadenocarcinoma. Review status: no classification provided. Collection method: in vitro. Allele origin: not applicable. Functional consequence: retained intron. Not counted in ClinVar's aggregate classification.

Dr. Peter K. Rogan Lab, Western University
No classification provided (evidence only). Condition: Ovarian serous cystadenocarcinoma. Review status: no classification provided. Collection method: in vitro. Allele origin: not applicable. Functional consequence: retained intron. Not counted in ClinVar's aggregate classification.

Dr. Peter K. Rogan Lab, Western University
No classification provided (evidence only). Condition: Ovarian serous cystadenocarcinoma. Review status: no classification provided. Collection method: in vitro. Allele origin: not applicable. Functional consequence: retained intron. Not counted in ClinVar's aggregate classification.

Dr. Peter K. Rogan Lab, Western University
No classification provided (evidence only). Condition: Adrenocortical carcinoma, hereditary. Review status: no classification provided. Collection method: in vitro. Allele origin: not applicable. Functional consequence: retained intron. Not counted in ClinVar's aggregate classification.

Dr. Peter K. Rogan Lab, Western University
No classification provided (evidence only). Condition: Uveal melanoma. Review status: no classification provided. Collection method: in vitro. Allele origin: not applicable. Functional consequence: retained intron. Not counted in ClinVar's aggregate classification.

Dr. Peter K. Rogan Lab, Western University
No classification provided (evidence only). Condition: Malignant tumor of esophagus. Review status: no classification provided. Collection method: in vitro. Allele origin: not applicable. Functional consequence: retained intron. Not counted in ClinVar's aggregate classification.

Dr. Peter K. Rogan Lab, Western University
No classification provided (evidence only). Condition: Malignant tumor of esophagus. Review status: no classification provided. Collection method: in vitro. Allele origin: not applicable. Functional consequence: retained intron. Not counted in ClinVar's aggregate classification.

Dr. Peter K. Rogan Lab, Western University
No classification provided (evidence only). Condition: Malignant tumor of esophagus. Review status: no classification provided. Collection method: in vitro. Allele origin: not applicable. Functional consequence: retained intron. Not counted in ClinVar's aggregate classification.

Dr. Peter K. Rogan Lab, Western University
No classification provided (evidence only). Condition: Malignant tumor of esophagus. Review status: no classification provided. Collection method: in vitro. Allele origin: not applicable. Functional consequence: retained intron. Not counted in ClinVar's aggregate classification.

Dr. Peter K. Rogan Lab, Western University
No classification provided (evidence only). Condition: Malignant tumor of esophagus. Review status: no classification provided. Collection method: in vitro. Allele origin: not applicable. Functional consequence: retained intron. Not counted in ClinVar's aggregate classification.

Dr. Peter K. Rogan Lab, Western University
No classification provided (evidence only). Condition: Malignant tumor of esophagus. Review status: no classification provided. Collection method: in vitro. Allele origin: not applicable. Functional consequence: retained intron. Not counted in ClinVar's aggregate classification.

Dr. Peter K. Rogan Lab, Western University
No classification provided (evidence only). Condition: Malignant tumor of esophagus. Review status: no classification provided. Collection method: in vitro. Allele origin: not applicable. Functional consequence: retained intron. Not counted in ClinVar's aggregate classification.

NM_018003.4(UACA):c.822+5A>G

Gene: UACA (uveal autoantigen with coiled-coil domains and ankyrin repeats; minus strand). Cytogenetic location: 15q23.
Variant type: single nucleotide variant.
Coding change: c.822+5A>G on transcript NM_018003.4 (MANE Select); 5 bases into the intron after coding-DNA position 822, A replaced by G.
Molecular consequence: intron variant.
Genome position (GRCh38, 1-based): chr15:70,682,753, T>C on the plus strand (A>G on the coding strand, the complement: UACA is on the minus strand). VCF-style: chr15-70682753-T-C. GRCh37 (hg19) VCF-style: chr15-70975092-T-C.
Other names: NC_000015.9:g.70975092T>C; c.783+5A>G (NM_001008224.3).
Identifiers: ClinVar variation 3056711 (VCV003056711.3), dbSNP rs62016913, ClinGen allele CA7637359.